The following is an entry in ClinVar:

ClinVar aggregate classification (germline): Uncertain significance (1 of 4 stars; one submission).

Conditions:
Ataxia-telangiectasia-like disorder (ATLD). Identifiers: MedGen C1858391, MONDO:0011457.

Allele frequency attached by ClinVar (database versions not stated): gnomAD exomes below 0.00001.
gnomAD v4.1: 2 of 1,588,350 alleles (0.00013%); highest among the groups gnomAD compares: Non-Finnish European, 0.00017%; no homozygotes.

Submission:

Labcorp Genetics (formerly Invitae), Labcorp
Classification: Uncertain significance for Ataxia-telangiectasia-like disorder. Last evaluated: 2020-12-14. Review status: criteria provided, single submitter. Criteria: Invitae Variant Classification Sherloc (09022015). Collection method: clinical testing. Allele origin: germline.
Comment: In summary, the available evidence is currently insufficient to determine the role of this variant in disease. Therefore, it has been classified as a Variant of Uncertain Significance. Algorithms developed to predict the effect of missense changes on protein structure and function output the following: SIFT: "Tolerated"; PolyPhen-2: "Benign"; Align-GVGD: "Class C0". The tyrosine amino acid residue is found in multiple mammalian species, suggesting that this missense change does not adversely affect protein function. These predictions have not been confirmed by published functional studies and their clinical significance is uncertain. This variant has not been reported in the literature in individuals with MRE11-related conditions. This variant is not present in population databases (ExAC no frequency). This sequence change replaces phenylalanine with tyrosine at codon 25 of the MRE11 protein (p.Phe25Tyr). The phenylalanine residue is weakly conserved and there is a small physicochemical difference between phenylalanine and tyrosine.

NM_005591.4(MRE11):c.74T>A (p.Phe25Tyr)

Gene: MRE11 (MRE11 double strand break repair nuclease; minus strand). Cytogenetic location: 11q21.
Variant type: single nucleotide variant.
Coding change: c.74T>A on transcript NM_005591.4 (MANE Select); coding-DNA position 74, T replaced by A.
Protein change: p.Phe25Tyr; replaces phenylalanine 25 with tyrosine.
Molecular consequence: missense variant.
Genome position (GRCh38, 1-based): chr11:94,490,912, A>T on the plus strand (T>A on the coding strand, the complement: MRE11 is on the minus strand). VCF-style: chr11-94490912-A-T. GRCh37 (hg19) VCF-style: chr11-94224078-A-T.
Other names: c.74T>A, p.Phe25Tyr (NM_001330347.2, NM_005590.4); short protein forms F25Y.
Identifiers: ClinVar variation 1681642 (VCV001681642.8), dbSNP rs1947266764, ClinGen allele CA382380906.